The following is an entry in ClinVar:

ClinVar aggregate classification (germline): Uncertain significance. Review status: criteria provided, multiple submitters, no conflicts (2 of 4 stars). 2 submissions from 2 submitters: Uncertain significance (2). Last evaluated 2023-06-30.

Conditions:
Tuberous sclerosis 2 (TSC2). Identifiers: Orphanet 805, MedGen C1860707, MONDO:0013199, OMIM 613254.
Hereditary cancer-predisposing syndrome. Also called: Hereditary neoplastic syndrome; Neoplastic Syndromes, Hereditary; Tumor predisposition; Hereditary Cancer Syndrome. Identifiers: Orphanet 140162, MedGen C0027672, MeSH D009386, MONDO:0015356.

Submissions (2):

Ambry Genetics
Classification: Uncertain significance for Hereditary cancer-predisposing syndrome. Last evaluated: 2023-06-30. Review status: criteria provided, single submitter. Criteria: Ambry Variant Classification Scheme 2023. Collection method: clinical testing. Allele origin: germline.
Comment: The p.W1293R variant (also known as c.3877T>C), located in coding exon 31 of the TSC2 gene, results from a T to C substitution at nucleotide position 3877. The tryptophan at codon 1293 is replaced by arginine, an amino acid with dissimilar properties. This amino acid position is conserved. In addition, this alteration is predicted to be deleterious by in silico analysis. Since supporting evidence is limited at this time, the clinical significance of this alteration remains unclear.

Labcorp Genetics (formerly Invitae), Labcorp
Classification: Uncertain significance for Tuberous sclerosis 2. Last evaluated: 2022-07-16. Review status: criteria provided, single submitter. Criteria: Invitae Variant Classification Sherloc (09022015). Collection method: clinical testing. Allele origin: germline.
Comment: This variant is not present in population databases (gnomAD no frequency). This sequence change replaces tryptophan, which is neutral and slightly polar, with arginine, which is basic and polar, at codon 1293 of the TSC2 protein (p.Trp1293Arg). In summary, the available evidence is currently insufficient to determine the role of this variant in disease. Therefore, it has been classified as a Variant of Uncertain Significance. Advanced modeling of protein sequence and biophysical properties (such as structural, functional, and spatial information, amino acid conservation, physicochemical variation, residue mobility, and thermodynamic stability) performed at Invitae indicates that this missense variant is not expected to disrupt TSC2 protein function. This variant has not been reported in the literature in individuals affected with TSC2-related conditions.

NM_000548.5(TSC2):c.3877T>C (p.Trp1293Arg)

Gene: TSC2 (TSC complex subunit 2; plus strand). Cytogenetic location: 16p13.3.
Variant type: single nucleotide variant.
Coding change: c.3877T>C on transcript NM_000548.5 (MANE Select); coding-DNA position 3877, T replaced by C.
Protein change: p.Trp1293Arg; replaces tryptophan 1293 with arginine.
Molecular consequence: missense variant. On other transcripts: intron variant (6).
Genome position (GRCh38, 1-based): chr16:2,082,498, T>C. VCF-style: chr16-2082498-T-C. GRCh37 (hg19) VCF-style: chr16-2132499-T-C.
Other names: c.3145T>C, p.Trp1049Arg (NM_001318831.2); c.3745T>C, p.Trp1249Arg (NM_001370404.1, NM_001406665.1); c.3748T>C, p.Trp1250Arg (NM_001370405.1, NM_021055.3); c.3874T>C, p.Trp1292Arg (NM_001406663.1); c.3277T>C, p.Trp1093Arg (NM_001406680.1); c.2404T>C, p.Trp802Arg (NM_001406690.1); c.2401T>C, p.Trp801Arg (NM_001406691.1); c.3814+700T>C (NM_001114382.3); and 5 more; short protein forms W1250R, W1093R, W1249R, W1292R, W802R, W801R, W1049R, W1293R.
Identifiers: ClinVar variation 1966080 (VCV001966080.7), dbSNP rs1596404879, ClinGen allele CA394295244.